The following is an entry in ClinVar:

ClinVar aggregate classification (germline): Uncertain significance (1 of 4 stars; one submission).

Conditions:
Dilated cardiomyopathy 1G (CMD1G). Identifiers: Orphanet 154, MedGen C1858763, MONDO:0011400, OMIM 604145.
Autosomal recessive limb-girdle muscular dystrophy type 2J (LGMDR10). Also called: MUSCULAR DYSTROPHY, LIMB-GIRDLE, AUTOSOMAL RECESSIVE 10; Limb-girdle muscular dystrophy, type 2J. Identifiers: Orphanet 140922, MedGen C1837342, MONDO:0012127, OMIM 608807.

Allele frequency attached by ClinVar (database versions not stated): TOPMed 0.00001.

Submission:

Labcorp Genetics (formerly Invitae), Labcorp
Classification: Uncertain significance for Dilated cardiomyopathy 1G; Autosomal recessive limb-girdle muscular dystrophy type 2J. Last evaluated: 2023-01-30. Review status: criteria provided, single submitter. Criteria: Invitae Variant Classification Sherloc (09022015). Collection method: clinical testing. Allele origin: germline.
Comment: This variant has not been reported in the literature in individuals affected with TTN-related conditions. This variant is not present in population databases (gnomAD no frequency). This sequence change replaces leucine, which is neutral and non-polar, with valine, which is neutral and non-polar, at codon 31727 of the TTN protein (p.Leu31727Val). Experimental studies and prediction algorithms are not available or were not evaluated, and the functional significance of this variant is currently unknown. This variant is located in the A band of TTN (PMID: 25589632). Variants in this region may be relevant for cardiac or neuromuscular disorders (PMID: 25589632, 23975875). In summary, the available evidence is currently insufficient to determine the role of this variant in disease. Therefore, it has been classified as a Variant of Uncertain Significance.

Literature cited by the submitters: PubMed 25589632; PubMed 23975875.

NM_001267550.2(TTN):c.95179T>G (p.Leu31727Val)

Genes: TTN-AS1 (TTN antisense RNA 1; plus strand), TTN (titin; minus strand). Cytogenetic location: 2q31.2.
Variant type: single nucleotide variant.
Coding change: c.95179T>G on transcript NM_001267550.2 (MANE Select); coding-DNA position 95179, T replaced by G.
Protein change: p.Leu31727Val; replaces leucine 31727 with valine.
Molecular consequence: missense variant.
Genome position (GRCh38, 1-based): chr2:178,546,057, A>C on the plus strand (T>G on the coding strand, the complement: TTN is on the minus strand). VCF-style: chr2-178546057-A-C. GRCh37 (hg19) VCF-style: chr2-179410784-A-C.
Other names: c.90256T>G, p.Leu30086Val (NM_001256850.1); c.67984T>G, p.Leu22662Val (NM_003319.4); c.87475T>G, p.Leu29159Val (NM_133378.4); c.68359T>G, p.Leu22787Val (NM_133432.3); c.68560T>G, p.Leu22854Val (NM_133437.4); short protein forms L31727V, L22662V, L22787V, L22854V, L29159V, L30086V.
Identifiers: ClinVar variation 2943728 (VCV002943728.3), dbSNP rs1696958336, ClinGen allele CA349465895.